The following is an entry in ClinVar:

NM_015602.4(TOR1AIP1):c.458A>G (p.Asp153Gly)

Genes: TOR1AIP1 (torsin 1A interacting protein 1; plus strand), LOC112577517 (Sharpr-MPRA regulatory region 13766; plus strand). Cytogenetic location: 1q25.2.
Variant type: single nucleotide variant.
Coding change: c.458A>G on transcript NM_015602.4 (MANE Select); coding-DNA position 458, A replaced by G.
Protein change: p.Asp153Gly; replaces aspartic acid 153 with glycine.
Molecular consequence: missense variant.
Genome position (GRCh38, 1-based): chr1:179,882,960, A>G. VCF-style: chr1-179882960-A-G. GRCh37 (hg19) VCF-style: chr1-179852095-A-G.
Other names: c.458A>G, p.Asp153Gly (NM_001267578.2); short protein forms D153G.
Identifiers: ClinVar variation 3899194 (VCV003899194.1).

ClinVar aggregate classification (germline): Uncertain significance (1 of 4 stars; one submission).

gnomAD v4.1: 3 of 1,612,466 alleles (0.00019%); highest among the groups gnomAD compares: Non-Finnish European, 0.00025%; no homozygotes.

Submission:

GeneDx
Classification: Uncertain significance. Last evaluated: 2024-11-12. Review status: criteria provided, single submitter. Criteria: GeneDx Variant Classification Process June 2021. Collection method: clinical testing. Allele origin: germline. Affected: yes.
Comment: Not observed at significant frequency in large population cohorts (gnomAD); In silico analysis supports that this missense variant has a deleterious effect on protein structure/function; Has not been previously published as pathogenic or benign to our knowledge